The following is an entry in ClinVar:

ClinVar aggregate classification (germline): Uncertain significance (1 of 4 stars; one submission).

Submission:

GeneDx
Classification: Uncertain significance. Last evaluated: 2024-01-04. Review status: criteria provided, single submitter. Criteria: GeneDx Variant Classification Process June 2021. Collection method: clinical testing. Allele origin: germline. Affected: yes.
Comment: Not observed at significant frequency in large population cohorts (gnomAD); In silico analysis supports that this missense variant has a deleterious effect on protein structure/function; Has not been previously published as pathogenic or benign to our knowledge

NM_130811.4(SNAP25):c.164-174G>A

Gene: SNAP25 (synaptosome associated protein 25; plus strand). Cytogenetic location: 20p12.2.
Variant type: single nucleotide variant.
Coding change: c.164-174G>A on transcript NM_130811.4 (MANE Select); 174 bases into the intron before coding-DNA position 164, G replaced by A.
Molecular consequence: intron variant. On other transcripts: missense variant (3).
Genome position (GRCh38, 1-based): chr20:10,292,987, G>A. VCF-style: chr20-10292987-G-A. GRCh37 (hg19) VCF-style: chr20-10273635-G-A.
Other names: c.269G>A, p.Cys90Tyr (NM_001322902.2, NM_001424415.1, NM_003081.5); c.164-174G>A (NM_001424416.1, NM_001322907.2, NM_001322910.2 and 6 more transcripts); short protein forms C90Y.
Identifiers: ClinVar variation 3367587 (VCV003367587.1).
Genomic context (GRCh38, chr20:10,292,987, plus strand): 5'-ACATGAAGGAGGCTGAGAAAAATTTAAAAGATTTAGGGAAATGCTGTGGCCTTTTCATAT[G>A]TCCTTGTAACAAGTAGGTACTGGGTACCAGCTCTAATCTGTGGCGTCCAGTTTTCTTTCT-3'